The following is an entry in ClinVar:

ClinVar aggregate classification (germline): Uncertain significance (1 of 4 stars; one submission).

gnomAD v4.1: 14 of 1,600,856 alleles (0.00087%); highest among the groups gnomAD compares: Non-Finnish European, 0.0012%; no homozygotes.

Submission:

Ambry Genetics
Classification: Uncertain significance. Last evaluated: 2026-01-18. Review status: criteria provided, single submitter. Criteria: Ambry Variant Classification Scheme 2023. Collection method: clinical testing. Allele origin: germline.
Comment: The p.Q39E variant (also known as c.115C>G), located in coding exon 2 of the SRP72 gene, results from a C to G substitution at nucleotide position 115. The glutamine at codon 39 is replaced by glutamic acid, an amino acid with highly similar properties. This amino acid position is conserved. In addition, this alteration is predicted to be tolerated by in silico analysis. Based on the available evidence, the clinical significance of this variant remains unclear.

NM_006947.4(SRP72):c.115C>G (p.Gln39Glu)

Gene: SRP72 (signal recognition particle 72; plus strand). Cytogenetic location: 4q12.
Variant type: single nucleotide variant.
Coding change: c.115C>G on transcript NM_006947.4 (MANE Select); coding-DNA position 115, C replaced by G.
Protein change: p.Gln39Glu; replaces glutamine 39 with glutamic acid.
Molecular consequence: missense variant. On other transcripts: non-coding transcript variant (1).
Genome position (GRCh38, 1-based): chr4:56,469,658, C>G. VCF-style: chr4-56469658-C-G. GRCh37 (hg19) VCF-style: chr4-57335824-C-G.
Other names: c.115C>G, p.Gln39Glu (NM_001267722.2); short protein forms Q39E.
Identifiers: ClinVar variation 4844199 (VCV004844199.1).